The following is an entry in ClinVar:

ClinVar aggregate classification (germline): Uncertain significance. Review status: criteria provided, single submitter (1 of 4 stars). 2 submissions from 2 submitters: Uncertain significance (1). 1 of the submissions does not count toward it. Last evaluated 2025-03-16.

Conditions:
Maturity-onset diabetes of the young type 3. Also called: MODY type 3; MODY, type III. Identifiers: Orphanet 552, MedGen C1838100, MeSH C563933, MONDO:0010894, OMIM 600496. Disease mechanism: loss of function.

Submissions (2):

Labcorp Genetics (formerly Invitae), Labcorp
Classification: Uncertain significance. Last evaluated: 2025-03-16. Review status: criteria provided, single submitter. Criteria: Invitae Variant Classification Sherloc (09022015). Collection method: clinical testing. Allele origin: germline.
Comment: This sequence change replaces threonine, which is neutral and polar, with asparagine, which is neutral and polar, at codon 152 of the HNF1A protein (p.Thr152Asn). This variant is not present in population databases (gnomAD no frequency). This variant has not been reported in the literature in individuals affected with HNF1A-related conditions. Invitae Evidence Modeling of protein sequence and biophysical properties (such as structural, functional, and spatial information, amino acid conservation, physicochemical variation, residue mobility, and thermodynamic stability) has been performed for this missense variant. However, the output from this modeling did not meet the statistical confidence thresholds required to predict the impact of this variant on HNF1A protein function. In summary, the available evidence is currently insufficient to determine the role of this variant in disease. Therefore, it has been classified as a Variant of Uncertain Significance.

Cardiovascular Genetics Laboratory, PathWest Laboratory Medicine WA - Fiona Stanley Hospital
Classification: Uncertain significance for Maturity-onset diabetes of the young type 3. Last evaluated: 2023-09-11. Review status: no assertion criteria provided. Criteria: ACMG Guidelines, 2015. Collection method: clinical testing. Allele origin: germline. Not counted in ClinVar's aggregate classification.

NM_000545.8(HNF1A):c.455C>A (p.Thr152Asn)

Gene: HNF1A (HNF1 homeobox A; plus strand). Cytogenetic location: 12q24.31.
Variant type: single nucleotide variant.
Coding change: c.455C>A on transcript NM_000545.8 (MANE Select); coding-DNA position 455, C replaced by A.
Protein change: p.Thr152Asn; replaces threonine 152 with asparagine.
Molecular consequence: missense variant.
Genome position (GRCh38, 1-based): chr12:120,988,961, C>A. VCF-style: chr12-120988961-C-A. GRCh37 (hg19) VCF-style: chr12-121426764-C-A.
Other names: c.455C>A, p.Thr152Asn (NM_001306179.2, NM_001406915.1); short protein forms T152N.
Identifiers: ClinVar variation 4741413 (VCV004741413.2).